The following is an entry in ClinVar:

NM_006343.3(MERTK):c.2020A>G (p.Met674Val)

Gene: MERTK (MER proto-oncogene, tyrosine kinase; plus strand). Cytogenetic location: 2q13.
Variant type: single nucleotide variant.
Coding change: c.2020A>G on transcript NM_006343.3 (MANE Select); coding-DNA position 2020, A replaced by G.
Protein change: p.Met674Val; replaces methionine 674 with valine.
Molecular consequence: missense variant.
Genome position (GRCh38, 1-based): chr2:112,010,007, A>G. VCF-style: chr2-112010007-A-G. GRCh37 (hg19) VCF-style: chr2-112767584-A-G.
Other names: short protein forms M674V.
Identifiers: ClinVar variation 1338880 (VCV001338880.5), dbSNP rs2104413016, ClinGen allele CA348234114.

ClinVar aggregate classification (germline): Likely pathogenic (1 of 4 stars; one submission).

Allele frequency attached by ClinVar (database versions not stated): gnomAD exomes below 0.00001.
gnomAD v4.1: 2 of 1,614,078 alleles (0.00012%); highest among the groups gnomAD compares: Non-Finnish European, 0.00017%; no homozygotes.

Submission:

GeneDx
Classification: Likely pathogenic. Last evaluated: 2025-08-14. Review status: criteria provided, single submitter. Criteria: GeneDx Variant Classification Process June 2021. Collection method: clinical testing. Allele origin: germline. Affected: yes.
Comment: Not observed at significant frequency in large population cohorts (gnomAD); In silico analysis supports that this missense variant has a deleterious effect on protein structure/function; Has not been previously published as pathogenic or benign to our knowledge